The following is an entry in ClinVar:

NM_201384.3(PLEC):c.9367G>T (p.Gly3123Cys)

Gene: PLEC (plectin; minus strand). Cytogenetic location: 8q24.3.
Variant type: single nucleotide variant.
Coding change: c.9367G>T on transcript NM_201384.3 (MANE Select); coding-DNA position 9367, G replaced by T.
Protein change: p.Gly3123Cys; replaces glycine 3123 with cysteine.
Molecular consequence: missense variant.
Genome position (GRCh38, 1-based): chr8:143,920,454, C>A on the plus strand (G>T on the coding strand, the complement: PLEC is on the minus strand). VCF-style: chr8-143920454-C-A. GRCh37 (hg19) VCF-style: chr8-144994622-C-A.
Other names: c.9448G>T, p.Gly3150Cys (NM_000445.5); c.9325G>T, p.Gly3109Cys (NM_201378.4); c.9301G>T, p.Gly3101Cys (NM_201379.3); c.9778G>T, p.Gly3260Cys (NM_201380.4); c.9271G>T, p.Gly3091Cys (NM_201381.3); c.9367G>T, p.Gly3123Cys (NM_201382.4); c.9379G>T, p.Gly3127Cys (NM_201383.3); short protein forms G3127C, G3091C, G3150C, G3101C, G3109C, G3123C, G3260C.
Identifiers: ClinVar variation 655922 (VCV000655922.11), dbSNP rs782603108, ClinGen allele CA372510132.

ClinVar aggregate classification (germline): Uncertain significance (1 of 4 stars; one submission).

Conditions:
Epidermolysis bullosa simplex 5C, with pyloric atresia (EBS5C). Also called: Epidermolysis bullosa simplex with pyloric atresia; PLEC-Related Epidermolysis Bullosa with Pyloric Atresia; PLEC1-Related Epidermolysis Bullosa with Pyloric Atresia. Identifiers: Orphanet 158684, MedGen C2677349, MONDO:0012807, OMIM 612138.
Epidermolysis bullosa simplex 5B, with muscular dystrophy (EBS5B). Also called: Epidermolysis bullosa simplex with muscular dystrophy; EPIDERMOLYSIS BULLOSA SIMPLEX AND LIMB-GIRDLE MUSCULAR DYSTROPHY. Identifiers: Orphanet 257, MedGen C2931072, MONDO:0009181, OMIM 226670.
Epidermolysis bullosa simplex, Ogna type (EBS5A). Also called: Pidermolysis bullosa simplex 5A, Ogna type; EPIDERMOLYSIS BULLOSA SIMPLEX 5A, OGNA TYPE. Identifiers: Orphanet 79401, MedGen C0432317, MONDO:0007555, OMIM 131950.
Epidermolysis bullosa simplex with nail dystrophy (EBS5D). Identifiers: MedGen C4225309, MONDO:0014661, OMIM 616487.
Autosomal recessive limb-girdle muscular dystrophy type 2Q (LGMDR17). Also called: MUSCULAR DYSTROPHY, LIMB-GIRDLE, AUTOSOMAL RECESSIVE 17. Identifiers: Orphanet 254361, MedGen C3150989, MONDO:0013390, OMIM 613723.

Submission:

Labcorp Genetics (formerly Invitae), Labcorp
Classification: Uncertain significance for Autosomal recessive limb-girdle muscular dystrophy type 2Q; Epidermolysis bullosa simplex, Ogna type; Epidermolysis bullosa simplex with nail dystrophy; Epidermolysis bullosa simplex 5C, with pyloric atresia; Epidermolysis bullosa simplex 5B, with muscular dystrophy. Last evaluated: 2019-02-23. Review status: criteria provided, single submitter. Criteria: Invitae Variant Classification Sherloc (09022015). Collection method: clinical testing. Allele origin: germline.
Comment: In summary, the available evidence is currently insufficient to determine the role of this variant in disease. Therefore, it has been classified as a Variant of Uncertain Significance. Algorithms developed to predict the effect of missense changes on protein structure and function are either unavailable or do not agree on the potential impact of this missense change (SIFT: "Deleterious"; PolyPhen-2: "Probably Damaging"; Align-GVGD: "Class C0"). This variant has not been reported in the literature in individuals with PLEC-related disease. This variant is not present in population databases (ExAC no frequency). This sequence change replaces glycine with cysteine at codon 3150 of the PLEC protein (p.Gly3150Cys). The glycine residue is highly conserved and there is a large physicochemical difference between glycine and cysteine.